The following is an entry in ClinVar:

NM_032043.3(BRIP1):c.628-1G>A

Gene: BRIP1 (BRCA1 interacting DNA helicase 1; minus strand). Cytogenetic location: 17q23.2.
Variant type: single nucleotide variant.
Coding change: c.628-1G>A on transcript NM_032043.3 (MANE Select); the canonical splice acceptor site of the intron before coding-DNA position 628, G replaced by A.
Molecular consequence: splice acceptor variant.
Genome position (GRCh38, 1-based): chr17:61,808,758, C>T on the plus strand (G>A on the coding strand, the complement: BRIP1 is on the minus strand). VCF-style: chr17-61808758-C-T. GRCh37 (hg19) VCF-style: chr17-59886119-C-T.
Identifiers: ClinVar variation 642791 (VCV000642791.8), dbSNP rs1219435870, ClinGen allele CA400485251.
Genomic context (GRCh38, chr17:61,808,758, plus strand): 5'-TGACTCTTGACTGTTTCCTTGTTTAGTAGAACAACAGCACCTAGAACAGTGGCCAGGGGG[C>T]TGTAAGAAAGGAAAGAAACGATAACTAATATCTAAACTACCATAAAAAACGTTATCAAAC-3'

ClinVar aggregate classification (germline): Likely pathogenic (1 of 4 stars; one submission).

Conditions:
Familial cancer of breast. Also called: hereditary breast carcinoma; BREAST CANCER, FAMILIAL; Hereditary breast cancer. Identifiers: Orphanet 227535, MedGen C0346153, MONDO:0016419, OMIM 114480. Disease mechanism: loss of function.
Fanconi anemia complementation group J. Also called: BRIP1-Related Fanconi Anemia. Identifiers: Orphanet 84, MedGen C1836860, MONDO:0012187, OMIM 609054.

Allele frequency attached by ClinVar (database versions not stated): gnomAD exomes below 0.00001; TOPMed below 0.00001.
gnomAD v4.1: 1 of 1,611,614 alleles (0.000062%); highest among the groups gnomAD compares: African/African-American, 0.0013%; no homozygotes.

Submission:

Labcorp Genetics (formerly Invitae), Labcorp
Classification: Likely pathogenic for Familial cancer of breast; Fanconi anemia complementation group J. Last evaluated: 2023-12-17. Review status: criteria provided, single submitter. Criteria: Invitae Variant Classification Sherloc (09022015). Collection method: clinical testing. Allele origin: germline.
Comment: This sequence change affects an acceptor splice site in intron 6 of the BRIP1 gene. It is expected to disrupt RNA splicing. Variants that disrupt the donor or acceptor splice site typically lead to a loss of protein function (PMID: 16199547), and loss-of-function variants in BRIP1 are known to be pathogenic (PMID: 16116423, 17033622, 21964575). This variant is not present in population databases (gnomAD no frequency). This variant has not been reported in the literature in individuals affected with BRIP1-related conditions. ClinVar contains an entry for this variant (Variation ID: 642791). Algorithms developed to predict the effect of sequence changes on RNA splicing suggest that this variant may disrupt the consensus splice site. In summary, the currently available evidence indicates that the variant is pathogenic, but additional data are needed to prove that conclusively. Therefore, this variant has been classified as Likely Pathogenic.

Literature cited by the submitters: PubMed 16199547; PubMed 16116423; PubMed 17033622; PubMed 21964575.